The following is an entry in ClinVar:

ClinVar aggregate classification (germline): Uncertain significance (1 of 4 stars; one submission).

gnomAD v4.1: 5 of 1,613,940 alleles (0.00031%); highest among the groups gnomAD compares: Non-Finnish European, 0.00042%; no homozygotes.

Submission:

Labcorp Genetics (formerly Invitae), Labcorp
Classification: Uncertain significance. Last evaluated: 2024-12-02. Review status: criteria provided, single submitter. Criteria: Invitae Variant Classification Sherloc (09022015). Collection method: clinical testing. Allele origin: germline.
Comment: This sequence change replaces glutamic acid, which is acidic and polar, with lysine, which is basic and polar, at codon 1869 of the DSCAML1 protein (p.Glu1869Lys). This variant is present in population databases (no rsID available, gnomAD 0.0009%). This variant has not been reported in the literature in individuals affected with DSCAML1-related conditions. An algorithm developed to predict the effect of missense changes on protein structure and function (PolyPhen-2) suggests that this variant is likely to be disruptive. In summary, the available evidence is currently insufficient to determine the role of this variant in disease. Therefore, it has been classified as a Variant of Uncertain Significance.

NM_020693.4(DSCAML1):c.5425G>A (p.Glu1809Lys)

Gene: DSCAML1 (DS cell adhesion molecule like 1; minus strand). Cytogenetic location: 11q23.3.
Variant type: single nucleotide variant.
Coding change: c.5425G>A on transcript NM_020693.4 (MANE Select); coding-DNA position 5425, G replaced by A.
Protein change: p.Glu1809Lys; replaces glutamic acid 1809 with lysine.
Molecular consequence: missense variant.
Genome position (GRCh38, 1-based): chr11:117,430,983, C>T on the plus strand (G>A on the coding strand, the complement: DSCAML1 is on the minus strand). VCF-style: chr11-117430983-C-T. GRCh37 (hg19) VCF-style: chr11-117301699-C-T.
Other names: short protein forms E1809K.
Identifiers: ClinVar variation 3626394 (VCV003626394.2).